The following is an entry in ClinVar:

NM_004304.5(ALK):c.3691C>T (p.Arg1231Trp)

Gene: ALK (ALK receptor tyrosine kinase; minus strand). Cytogenetic location: 2p23.2.
Variant type: single nucleotide variant.
Coding change: c.3691C>T on transcript NM_004304.5 (MANE Select); coding-DNA position 3691, C replaced by T.
Protein change: p.Arg1231Trp; replaces arginine 1231 with tryptophan.
Molecular consequence: missense variant.
Genome position (GRCh38, 1-based): chr2:29,214,036, G>A on the plus strand (C>T on the coding strand, the complement: ALK is on the minus strand). VCF-style: chr2-29214036-G-A. GRCh37 (hg19) VCF-style: chr2-29436902-G-A.
Other names: c.487C>T, p.Arg163Trp (NM_001353765.2); short protein forms R1231W, R163W.
Identifiers: ClinVar variation 470840 (VCV000470840.16), dbSNP rs771475772, ClinGen allele CA1593805.

ClinVar aggregate classification (germline): Conflicting classifications of pathogenicity. Review status: criteria provided, conflicting classifications (1 of 4 stars). 5 submissions from 5 submitters: Uncertain significance (4); Likely benign (1). Last evaluated 2026-04-01.

Conditions:
Hereditary cancer-predisposing syndrome. Also called: Hereditary neoplastic syndrome; Tumor predisposition; Neoplastic Syndromes, Hereditary; Hereditary Cancer Syndrome. Identifiers: Orphanet 140162, MedGen C0027672, MeSH D009386, MONDO:0015356.
Neuroblastoma, susceptibility to, 3. Also called: ALK-Related Neuroblastic Tumor Susceptibility. Identifiers: Orphanet 635, MedGen C2751681, MONDO:0013083, OMIM 613014.

Allele frequency attached by ClinVar (database versions not stated): ExAC 0.00002; gnomAD exomes 0.00007; gnomAD 0.00022 and 0.00024; TOPMed 0.00028.
gnomAD v4.1: 137 of 1,613,936 alleles (0.0085%); highest among the groups gnomAD compares: Admixed American, 0.057%; 1 homozygote.

Submissions (5):

CeGaT Center for Human Genetics Tuebingen
Classification: Uncertain significance. Last evaluated: 2026-04-01. Review status: criteria provided, single submitter. Criteria: CeGaT Center For Human Genetics Tuebingen Variant Classification Criteria Version 2. Collection method: clinical testing. Allele origin: germline. Affected: yes. Observed: 1 variant allele.
Comment: ALK: PM1

Labcorp Genetics (formerly Invitae), Labcorp
Classification: Uncertain significance for Neuroblastoma, susceptibility to, 3. Last evaluated: 2026-01-18. Review status: criteria provided, single submitter. Criteria: Invitae Variant Classification Sherloc (09022015). Collection method: clinical testing. Allele origin: germline.
Comment: This sequence change replaces arginine, which is basic and polar, with tryptophan, which is neutral and slightly polar, at codon 1231 of the ALK protein (p.Arg1231Trp). This variant is present in population databases (rs771475772, gnomAD 0.02%). This variant has not been reported in the literature in individuals affected with ALK-related conditions. ClinVar contains an entry for this variant (Variation ID: 470840). An algorithm developed to predict the effect of missense changes on protein structure and function (PolyPhen-2) suggests that this variant is likely to be disruptive. In summary, the available evidence is currently insufficient to determine the role of this variant in disease. Therefore, it has been classified as a Variant of Uncertain Significance.

Baylor Genetics
Classification: Uncertain significance for Neuroblastoma, susceptibility to, 3. Last evaluated: 2023-09-15. Review status: criteria provided, single submitter. Criteria: ACMG Guidelines, 2015. Collection method: clinical testing. Allele origin: unknown.

GeneDx
Classification: Uncertain significance. Last evaluated: 2023-03-31. Review status: criteria provided, single submitter. Criteria: GeneDx Variant Classification Process June 2021. Collection method: clinical testing. Allele origin: germline. Affected: yes.
Comment: In silico analysis supports that this missense variant has a deleterious effect on protein structure/function; Has not been previously published as pathogenic or benign to our knowledge; This variant is associated with the following publications: (PMID: Puig2016[abstract])

Ambry Genetics
Classification: Likely benign for Hereditary cancer-predisposing syndrome. Last evaluated: 2022-02-22. Review status: criteria provided, single submitter. Criteria: Ambry Variant Classification Scheme 2023. Collection method: clinical testing. Allele origin: germline.